The following is an entry in ClinVar:

ClinVar aggregate classification (germline): Uncertain significance (1 of 4 stars; one submission).

Conditions:
Primary dilated cardiomyopathy (DCM). Also called: Dilated Cardiomyopathy. Identifiers: Orphanet 217604, MedGen C0007193, MeSH D002311, MONDO:0005021, HP:0001644. Inheritance: Various modes of inheritance.

Submission:

Labcorp Genetics (formerly Invitae), Labcorp
Classification: Uncertain significance for Primary dilated cardiomyopathy. Last evaluated: 2022-10-13. Review status: criteria provided, single submitter. Criteria: Invitae Variant Classification Sherloc (09022015). Collection method: clinical testing. Allele origin: germline.
Comment: ClinVar contains an entry for this variant (Variation ID: 1468372). This variant has not been reported in the literature in individuals affected with NEBL-related conditions. This variant is not present in population databases (gnomAD no frequency). This sequence change replaces alanine, which is neutral and non-polar, with proline, which is neutral and non-polar, at codon 140 of the NEBL protein (p.Ala140Pro). Algorithms developed to predict the effect of missense changes on protein structure and function are either unavailable or do not agree on the potential impact of this missense change (SIFT: "Deleterious"; PolyPhen-2: "Possibly Damaging"; Align-GVGD: "Class C0"). In summary, the available evidence is currently insufficient to determine the role of this variant in disease. Therefore, it has been classified as a Variant of Uncertain Significance.

NM_006393.3(NEBL):c.418G>C (p.Ala140Pro)

Gene: NEBL (nebulette; minus strand). Cytogenetic location: 10p12.31.
Variant type: single nucleotide variant.
Coding change: c.418G>C on transcript NM_006393.3 (MANE Select); coding-DNA position 418, G replaced by C.
Protein change: p.Ala140Pro; replaces alanine 140 with proline.
Molecular consequence: missense variant. On other transcripts: intron variant (9).
Genome position (GRCh38, 1-based): chr10:20,880,856, C>G on the plus strand (G>C on the coding strand, the complement: NEBL is on the minus strand). VCF-style: chr10-20880856-C-G. GRCh37 (hg19) VCF-style: chr10-21169785-C-G.
Other names: c.250-67916G>C (NM_001377326.1, NM_001377327.1, NM_001377328.1); c.358-67916G>C (NM_213569.2, NM_001173484.2, NM_001377322.1); c.301-67916G>C (NM_001377324.1); c.292-67916G>C (NM_001377325.1); c.310-67916G>C (NM_001377323.1); short protein forms A140P.
Identifiers: ClinVar variation 1468372 (VCV001468372.8), dbSNP rs2131316427, ClinGen allele CA376104599.